The following is an entry in ClinVar:

NM_006904.7(PRKDC):c.10117-21_10117-16del

Gene: PRKDC (protein kinase, DNA-activated, catalytic subunit; minus strand). Cytogenetic location: 8q11.21.
Variant type: Deletion.
Coding change: c.10117-21_10117-16del on transcript NM_006904.7 (MANE Select); 21 bases into the intron before coding-DNA position 10117 through 16 bases into the intron before coding-DNA position 10117, 6 bases deleted (TTAGGT; older notation c.10117-21_10117-16delTTAGGT).
Molecular consequence: intron variant.
Genome position (GRCh38, 1-based): chr8:47,799,406-47,799,411, ACCTAA deleted on the plus strand (TTAGGT on the coding strand, the reverse complement: PRKDC is on the minus strand); deleting any 6 consecutive bases within chr8:47,799,406-47,799,414 gives the same sequence; the c. name uses the placement nearest the transcript's 3' end. VCF-style (leftmost placement, unchanged base first): chr8-47799405-GACCTAA-G. GRCh37 (hg19) VCF-style: chr8-48711966-GACCTAA-G.
Other names: c.10117-21_10117-16del (NM_001081640.2).
Identifiers: ClinVar variation 2025915 (VCV002025915.4), dbSNP rs2551862746, ClinGen allele CA2580078339.

ClinVar aggregate classification (germline): Uncertain significance (1 of 4 stars; one submission).

Conditions:
Severe combined immunodeficiency due to DNA-PKcs deficiency. Also called: IMMUNODEFICIENCY 26 WITH NEUROLOGIC ABNORMALITIES; Immunodeficiency 26 with or without neurologic abnormalities. Identifiers: Orphanet 317425, MedGen C4014833, MONDO:0014423, OMIM 615966.

Submission:

Labcorp Genetics (formerly Invitae), Labcorp
Classification: Uncertain significance for Severe combined immunodeficiency due to DNA-PKcs deficiency. Last evaluated: 2022-08-21. Review status: criteria provided, single submitter. Criteria: Invitae Variant Classification Sherloc (09022015). Collection method: clinical testing. Allele origin: germline.
Comment: This sequence change falls in intron 71 of the PRKDC gene. It does not directly change the encoded amino acid sequence of the PRKDC protein. In summary, the available evidence is currently insufficient to determine the role of this variant in disease. Therefore, it has been classified as a Variant of Uncertain Significance. Algorithms developed to predict the effect of sequence changes on RNA splicing suggest that this variant may disrupt the consensus splice site. This variant has not been reported in the literature in individuals affected with PRKDC-related conditions. This variant is not present in population databases (gnomAD no frequency).